The following is an entry in ClinVar:

ClinVar aggregate classification (germline): Uncertain significance (1 of 4 stars; one submission).

Conditions:
Rhabdoid tumor predisposition syndrome 2 (RTPS2). Identifiers: Orphanet 231108, Orphanet 69077, MedGen C2750074, MONDO:0013224, OMIM 613325.

Submission:

Labcorp Genetics (formerly Invitae), Labcorp
Classification: Uncertain significance for Rhabdoid tumor predisposition syndrome 2. Last evaluated: 2019-09-09. Review status: criteria provided, single submitter. Criteria: Invitae Variant Classification Sherloc (09022015). Collection method: clinical testing. Allele origin: germline.
Comment: In summary, the available evidence is currently insufficient to determine the role of this variant in disease. Therefore, it has been classified as a Variant of Uncertain Significance. Algorithms developed to predict the effect of missense changes on protein structure and function are either unavailable or do not agree on the potential impact of this missense change (SIFT: "Deleterious"; PolyPhen-2: "Probably Damaging"; Align-GVGD: "Class C0"). This variant has not been reported in the literature in individuals with SMARCA4-related conditions. This variant is not present in population databases (ExAC no frequency). This sequence change replaces glycine with aspartic acid at codon 752 of the SMARCA4 protein (p.Gly752Asp). The glycine residue is highly conserved and there is a moderate physicochemical difference between glycine and aspartic acid.

NM_003072.5(SMARCA4):c.2255G>A (p.Gly752Asp)

Gene: SMARCA4 (SWI/SNF related BAF chromatin remodeling complex subunit ATPase 4; plus strand). Cytogenetic location: 19p13.2.
Variant type: single nucleotide variant.
Coding change: c.2255G>A on transcript NM_003072.5 (MANE Select); coding-DNA position 2255, G replaced by A.
Protein change: p.Gly752Asp; replaces glycine 752 with aspartic acid.
Molecular consequence: missense variant. On other transcripts: non-coding transcript variant (1).
Genome position (GRCh38, 1-based): chr19:11,010,512, G>A. VCF-style: chr19-11010512-G-A. GRCh37 (hg19) VCF-style: chr19-11121188-G-A.
Other names: c.2255G>A, p.Gly752Asp (NM_001128844.3, NM_001128845.2, NM_001128846.2 and 4 more transcripts); short protein forms G752D.
Identifiers: ClinVar variation 954223 (VCV000954223.9), dbSNP rs2088722543, ClinGen allele CA404052938.